The following is an entry in ClinVar:

ClinVar aggregate classification (germline): Uncertain significance. Review status: criteria provided, multiple submitters, no conflicts (2 of 4 stars). 5 submissions from 5 submitters: Uncertain significance (4). 1 of the submissions does not count toward it. Last evaluated 2022-06-14.

Conditions:
Xeroderma pigmentosum, group G (XPG). Also called: ERCC5-Related Xeroderma Pigmentosum; XP, GROUP G; Xeroderma pigmentosum type 7; XERODERMA PIGMENTOSUM VII. Identifiers: MedGen C0268141, MONDO:0010216, OMIM 278780.
Cerebrooculofacioskeletal syndrome 3 (COFS3). Identifiers: MedGen C1851443, MONDO:0014696, OMIM 616570.

Allele frequency attached by ClinVar (database versions not stated): gnomAD 0.00005; gnomAD exomes 0.00007 and 0.00016; TOPMed 0.00008; ExAC 0.00015; 1000 Genomes Project 30x 0.00016; 1000 Genomes Project 0.00020.
gnomAD v4.1: 154 of 1,614,148 alleles (0.0095%); highest among the groups gnomAD compares: South Asian, 0.052%; no homozygotes.

Submissions (5):

Labcorp Genetics (formerly Invitae), Labcorp
Classification: Uncertain significance. Last evaluated: 2022-06-14. Review status: criteria provided, single submitter. Criteria: Invitae Variant Classification Sherloc (09022015). Collection method: clinical testing. Allele origin: germline.
Comment: This sequence change replaces proline, which is neutral and non-polar, with leucine, which is neutral and non-polar, at codon 524 of the ERCC5 protein (p.Pro524Leu). This variant is present in population databases (rs201684551, gnomAD 0.07%). This variant has not been reported in the literature in individuals affected with ERCC5-related conditions. ClinVar contains an entry for this variant (Variation ID: 134189). Algorithms developed to predict the effect of missense changes on protein structure and function output the following: SIFT: "Tolerated"; PolyPhen-2: "Benign"; Align-GVGD: "Class C0". The leucine amino acid residue is found in multiple mammalian species, which suggests that this missense change does not adversely affect protein function. In summary, the available evidence is currently insufficient to determine the role of this variant in disease. Therefore, it has been classified as a Variant of Uncertain Significance.

Mendelics
Classification: Uncertain significance. Last evaluated: 2022-05-04. Review status: criteria provided, single submitter. Criteria: Mendelics Assertion Criteria 2019. Collection method: clinical testing. Allele origin: germline.

Fulgent Genetics
Classification: Uncertain significance for Xeroderma pigmentosum, group G; Cerebrooculofacioskeletal syndrome 3. Last evaluated: 2022-02-08. Review status: criteria provided, single submitter. Criteria: ACMG Guidelines, 2015. Collection method: clinical testing. Allele origin: unknown.

Revvity Omics, Revvity
Classification: Uncertain significance. Last evaluated: 2020-04-03. Review status: criteria provided, single submitter. Criteria: ACMG Guidelines, 2015. Collection method: clinical testing. Allele origin: germline.

ITMI
No classification provided. Condition: AllHighlyPenetrant. Last evaluated: 2013-09-19. Review status: no classification provided. Collection method: reference population. Allele origin: germline. Not counted in ClinVar's aggregate classification.
Comment: Please see associated publication for description of ethnicities

Literature cited by the submitters: PubMed 24728327 (cited by ITMI).

NM_000123.4(ERCC5):c.1571C>T (p.Pro524Leu)

Genes: BIVM-ERCC5 (BIVM-ERCC5 readthrough; plus strand), ERCC5 (ERCC excision repair 5, endonuclease; plus strand). Cytogenetic location: 13q33.1.
Variant type: single nucleotide variant.
Coding change: c.1571C>T on transcript NM_000123.4 (MANE Select); coding-DNA position 1571, C replaced by T.
Protein change: p.Pro524Leu; replaces proline 524 with leucine.
Molecular consequence: missense variant.
Genome position (GRCh38, 1-based): chr13:102,862,720, C>T. VCF-style: chr13-102862720-C-T. GRCh37 (hg19) VCF-style: chr13-103515070-C-T.
Other names: c.2933C>T, p.Pro978Leu (NM_001204425.2); short protein forms P524L, P978L.
Identifiers: ClinVar variation 134189 (VCV000134189.9), dbSNP rs201684551, ClinGen allele CA159058.